The following is an entry in ClinVar:

NM_001111125.3(IQSEC2):c.220C>T (p.Arg74Trp)

Gene: IQSEC2 (IQ motif and Sec7 domain ArfGEF 2; minus strand). Cytogenetic location: Xp11.22.
Variant type: single nucleotide variant.
Coding change: c.220C>T on transcript NM_001111125.3 (MANE Select); coding-DNA position 220, C replaced by T.
Protein change: p.Arg74Trp; replaces arginine 74 with tryptophan.
Molecular consequence: missense variant.
Genome position (GRCh38, 1-based): chrX:53,320,904, G>A on the plus strand (C>T on the coding strand, the complement: IQSEC2 is on the minus strand). VCF-style: chrX-53320904-G-A. GRCh37 (hg19) VCF-style: chrX-53350102-G-A.
Other names: c.220C>T, p.Arg74Trp (NM_001410736.1, NM_001441092.1); short protein forms R74W.
Identifiers: ClinVar variation 4281452 (VCV004281452.7).

ClinVar aggregate classification (germline): Uncertain significance (1 of 4 stars; one submission).

Submission:

CeGaT Center for Human Genetics Tuebingen
Classification: Uncertain significance. Last evaluated: 2025-09-01. Review status: criteria provided, single submitter. Criteria: CeGaT Center For Human Genetics Tuebingen Variant Classification Criteria Version 2. Collection method: clinical testing. Allele origin: germline. Affected: yes. Observed: 1 variant allele.
Comment: IQSEC2: PM2, PP2